The following is an entry in ClinVar:

ClinVar aggregate classification (germline): Benign. Review status: criteria provided, multiple submitters, no conflicts (2 of 4 stars). 3 submissions from 3 submitters: Benign (3). Last evaluated 2026-01-28.

Allele frequency attached by ClinVar (database versions not stated): gnomAD 0.82390 and 0.82030; TOPMed 0.83555; 1000 Genomes Project 30x 0.88492; ESP Exome Variant Server 0.80705; 1000 Genomes Project 0.88199; gnomAD exomes 0.77789 and 0.81736; ExAC 0.83106.

Submissions (3):

Labcorp Genetics (formerly Invitae), Labcorp
Classification: Benign. Last evaluated: 2026-01-28. Review status: criteria provided, single submitter. Criteria: Invitae Variant Classification Sherloc (09022015). Collection method: clinical testing. Allele origin: germline.

GeneDx
Classification: Benign. Last evaluated: 2018-03-24. Review status: criteria provided, single submitter. Criteria: GeneDx Variant Classification (06012015). Collection method: clinical testing. Allele origin: germline. Affected: yes.
Comment: This variant is considered likely benign or benign based on one or more of the following criteria: it is a conservative change, it occurs at a poorly conserved position in the protein, it is predicted to be benign by multiple in silico algorithms, and/or has population frequency not consistent with disease.

Breakthrough Genomics
Classification: Benign. Review status: criteria provided, single submitter. Criteria: ACMG Guidelines, 2015. Collection method: not provided. Allele origin: germline. Inheritance: Unknown mechanism. Affected: yes.

NM_001291088.2(WDR87):c.1922G>C (p.Gly641Ala)

Gene: WDR87 (WD repeat domain 87; minus strand). Cytogenetic location: 19q13.13.
Variant type: single nucleotide variant.
Coding change: c.1922G>C on transcript NM_001291088.2 (MANE Select); coding-DNA position 1922, G replaced by C.
Protein change: p.Gly641Ala; replaces glycine 641 with alanine.
Molecular consequence: missense variant.
Genome position (GRCh38, 1-based): chr19:37,893,781, C>G on the plus strand (G>C on the coding strand, the complement: WDR87 is on the minus strand). VCF-style: chr19-37893781-C-G. GRCh37 (hg19) VCF-style: chr19-38384421-C-G.
Other names: c.1805G>C, p.Gly602Ala (NM_031951.5); short protein forms G641A, G602A.
Identifiers: ClinVar variation 677192 (VCV000677192.10), dbSNP rs3894129, ClinGen allele CA9408849.